The following is an entry in ClinVar:

NM_004656.4(BAP1):c.277A>G (p.Thr93Ala)

Gene: BAP1 (BRCA1 associated deubiquitinase 1; minus strand). Cytogenetic location: 3p21.1.
Variant type: single nucleotide variant.
Coding change: c.277A>G on transcript NM_004656.4 (MANE Select); coding-DNA position 277, A replaced by G.
Protein change: p.Thr93Ala; replaces threonine 93 with alanine.
Molecular consequence: missense variant.
Genome position (GRCh38, 1-based): chr3:52,408,056, T>C on the plus strand (A>G on the coding strand, the complement: BAP1 is on the minus strand). VCF-style: chr3-52408056-T-C. GRCh37 (hg19) VCF-style: chr3-52442072-T-C.
Other names: short protein forms T93A.
Identifiers: ClinVar variation 55879 (VCV000055879.9), dbSNP rs375129361, ClinGen allele CA143983.

ClinVar aggregate classification (germline): Conflicting classifications of pathogenicity. Review status: criteria provided, conflicting classifications (1 of 4 stars). 3 submissions from 3 submitters: Likely pathogenic (1); Uncertain significance (1). 1 of the submissions does not count toward it. Last evaluated 2024-12-11.
ClinVar aggregate classification (oncogenicity): Uncertain significance (1 of 4 stars; one submission).

Conditions:
Hereditary cancer-predisposing syndrome. Also called: Neoplastic Syndromes, Hereditary; Hereditary neoplastic syndrome; Tumor predisposition; Hereditary Cancer Syndrome. Identifiers: Orphanet 140162, MedGen C0027672, MeSH D009386, MONDO:0015356.
BAP1-related tumor predisposition syndrome (TPDS1). Also called: COMMON Syndrome; TUMOR PREDISPOSITION SYNDROME 1; BAP1 tumor predisposition syndrome; Tumor susceptibility linked to germline BAP1 mutations. Identifiers: Orphanet 289539, MedGen C3280492, MONDO:0013692, OMIM 614327.
Neoplasm. Also called: tumor; Neoplasms; Neoplasm (disease). Identifiers: MedGen C0027651, MeSH D009369, MONDO:0005070, HP:0002664.

Allele frequency attached by ClinVar (database versions not stated): gnomAD exomes below 0.00001.

Submissions (4):

Center for Genomic Medicine, Rigshospitalet, Copenhagen University Hospital
Classification: Uncertain significance for Neoplasm. Last evaluated: 2025-12-29. Review status: criteria provided, single submitter. Criteria: ClinGen/CGC/VICC Guidelines for Oncogenicity, 2022. Collection method: clinical testing. Allele origin: somatic. Affected: yes.

Ambry Genetics
Classification: Likely pathogenic for Hereditary cancer-predisposing syndrome. Last evaluated: 2024-12-11. Review status: criteria provided, single submitter. Criteria: Ambry Variant Classification Scheme 2023. Collection method: clinical testing. Allele origin: germline.
Comment: The c.277A>G variant (also known as p.T93A), located in coding exon 5 of the BAP1 gene, results from an A to G substitution at nucleotide position 277. The threonine at codon 93 is replaced by alanine, an amino acid with similar properties. This alteration was shown to segregate with renal cell carcinoma in a French family (Popova T et al. Am J Hum Genet, 2013 Jun;92:974-80). This nucleotide position is highly conserved in available vertebrate species. In silico splice site analysis predicts that this alteration will result in the creation or strengthening of a novel splice acceptor site. RNA studies have demonstrated that this alteration causes abnormal splicing resulting in a transcript predicted to undergo nonsense-mediated decay (Ambry internal data; Popova T et al. Am J Hum Genet, 2013 Jun;92:974-80). This alteration was non-functional in a high throughput genome editing haploid cell survival assay (Waters AJ et al. Nat Genet, 2024 Jul;56:1434-1445). This variant is considered to be rare based on population cohorts in the Genome Aggregation Database (gnomAD). Based on the majority of available evidence to date, this variant is likely to be pathogenic.

Labcorp Genetics (formerly Invitae), Labcorp
Classification: Uncertain significance for BAP1-related tumor predisposition syndrome. Last evaluated: 2022-12-03. Review status: criteria provided, single submitter. Criteria: Invitae Variant Classification Sherloc (09022015). Collection method: clinical testing. Allele origin: germline.
Comment: This missense change has been observed in individual(s) with renal cell carcinoma and cervix carcinoma (PMID: 23684012). This sequence change replaces threonine, which is neutral and polar, with alanine, which is neutral and non-polar, at codon 93 of the BAP1 protein (p.Thr93Ala). This variant is present in population databases (rs375129361, gnomAD 0.006%). ClinVar contains an entry for this variant (Variation ID: 55879). Advanced modeling of protein sequence and biophysical properties (such as structural, functional, and spatial information, amino acid conservation, physicochemical variation, residue mobility, and thermodynamic stability) performed at Invitae indicates that this missense variant is expected to disrupt BAP1 protein function. Algorithms developed to predict the effect of sequence changes on RNA splicing suggest that this variant may create or strengthen a splice site. In summary, the available evidence is currently insufficient to determine the role of this variant in disease. Therefore, it has been classified as a Variant of Uncertain Significance.

OMIM
Classification: Pathogenic for TUMOR PREDISPOSITION SYNDROME 1. Last evaluated: 2013-06-06. Review status: no assertion criteria provided. Collection method: literature only. Allele origin: germline. Not counted in ClinVar's aggregate classification.

Literature cited by the submitters: PubMed 23684012 (cited by 3 submitters); PubMed 38969833 (cited by Ambry Genetics).